The following is an entry in ClinVar:

NM_001481.3(DRC4):c.551A>C (p.Glu184Ala)

Gene: DRC4 (dynein regulatory complex subunit 4; plus strand). Cytogenetic location: 16q24.3.
Variant type: single nucleotide variant.
Coding change: c.551A>C on transcript NM_001481.3 (MANE Select); coding-DNA position 551, A replaced by C.
Protein change: p.Glu184Ala; replaces glutamic acid 184 with alanine.
Molecular consequence: missense variant. On other transcripts: 5 prime UTR variant (1).
Genome position (GRCh38, 1-based): chr16:90,036,381, A>C. VCF-style: chr16-90036381-A-C. GRCh37 (hg19) VCF-style: chr16-90102789-A-C.
Other names: c.302A>C, p.Glu101Ala (NM_001286205.2); c.-26A>C (NM_001286208.2); c.476A>C, p.Glu159Ala (NM_001286209.2); short protein forms E101A, E184A, E159A.
Identifiers: ClinVar variation 647067 (VCV000647067.8), dbSNP rs201534876, ClinGen allele CA8257878.

ClinVar aggregate classification (germline): Uncertain significance (1 of 4 stars; one submission).

Conditions:
Primary ciliary dyskinesia 33. Also called: CILIARY DYSKINESIA, PRIMARY, 33, WITHOUT SITUS INVERSUS. Identifiers: Orphanet 244, MedGen C4225230, MONDO:0014750, OMIM 616726.

Allele frequency attached by ClinVar (database versions not stated): TOPMed 0.00016; 1000 Genomes Project 30x 0.00031; ESP Exome Variant Server 0.00008; 1000 Genomes Project 0.00040.
gnomAD v4.1: 93 of 1,597,614 alleles (0.0058%); highest among the groups gnomAD compares: East Asian, 0.15%; no homozygotes.

Submission:

Labcorp Genetics (formerly Invitae), Labcorp
Classification: Uncertain significance for Primary ciliary dyskinesia 33. Last evaluated: 2025-10-02. Review status: criteria provided, single submitter. Criteria: Invitae Variant Classification Sherloc (09022015). Collection method: clinical testing. Allele origin: germline.
Comment: This sequence change replaces glutamic acid, which is acidic and polar, with alanine, which is neutral and non-polar, at codon 184 of the GAS8 protein (p.Glu184Ala). This variant is present in population databases (rs201534876, gnomAD 0.2%). This variant has not been reported in the literature in individuals affected with GAS8-related conditions. ClinVar contains an entry for this variant (Variation ID: 647067). An algorithm developed to predict the effect of missense changes on protein structure and function (PolyPhen-2) suggests that this variant is likely to be tolerated. In summary, the available evidence is currently insufficient to determine the role of this variant in disease. Therefore, it has been classified as a Variant of Uncertain Significance.